The following is an entry in ClinVar:

NM_016630.7(SPG21):c.452+2dup

Gene: SPG21 (SPG21 abhydrolase domain containing, maspardin; minus strand). Cytogenetic location: 15q22.31.
Variant type: Duplication.
Coding change: c.452+2dup on transcript NM_016630.7 (MANE Select); the canonical splice donor site of the intron after coding-DNA position 452, one base duplicated (T; older notation c.452+2dupT).
Molecular consequence: splice donor variant.
Genome position (GRCh38, 1-based): chr15:64,974,600, A duplicated on the plus strand (T on the coding strand, the reverse complement: SPG21 is on the minus strand). VCF-style (leftmost placement, unchanged base first): chr15-64974599-T-TA. GRCh37 (hg19) VCF-style: chr15-65266937-T-TA.
Other names: c.371+2dup (NM_001127890.5); c.452+2dup (NM_001127889.5).
Identifiers: ClinVar variation 930348 (VCV000930348.3), dbSNP rs752973737, ClinGen allele CA7612961.
Genomic context (GRCh38, chr15:64,974,599, plus strand): 5'-CAAACACTCAAAAGCCAACATTTTCAAAATTTCACTGAACAAAAAAAGTAATTTTGTTCT[T>TA]ACCTGTTTGCAGTCCAAGTTTGGTTGAAGATAGAGGTGTCACTGAAGGAATTGCAGAGGA-3'

ClinVar aggregate classification (germline): Uncertain significance (1 of 4 stars; one submission).

Conditions:
Mast syndrome. Also called: SPASTIC PARAPLEGIA 21, AUTOSOMAL RECESSIVE. Identifiers: Orphanet 101001, MedGen C1855346, MONDO:0009568, OMIM 248900.

Allele frequency attached by ClinVar (database versions not stated): gnomAD exomes 0.00001; ExAC 0.00002.

Submission:

Centre for Mendelian Genomics, University Medical Centre Ljubljana
Classification: Uncertain significance for Mast syndrome. Last evaluated: 2019-01-30. Review status: criteria provided, single submitter. Criteria: ACMG Guidelines, 2015. Collection method: clinical testing. Allele origin: unknown. Affected: yes.
Comment: This variant was classified as: Uncertain significance. The available evidence on this variant's pathogenicity is insufficient or conflicting. The following ACMG criteria were applied in classifying this variant: PM2,PP3.